The following is an entry in ClinVar:

NM_002691.4(POLD1):c.447C>T (p.Tyr149=)

Gene: POLD1 (DNA polymerase delta 1, catalytic subunit; plus strand). Cytogenetic location: 19q13.33.
Variant type: single nucleotide variant.
Coding change: c.447C>T on transcript NM_002691.4 (MANE Select); coding-DNA position 447, C replaced by T.
Protein change: p.Tyr149=; no amino-acid change (tyrosine 149 retained).
Molecular consequence: synonymous variant. On other transcripts: non-coding transcript variant (1).
Genome position (GRCh38, 1-based): chr19:50,401,908, C>T. VCF-style: chr19-50401908-C-T. GRCh37 (hg19) VCF-style: chr19-50905165-C-T.
Other names: c.447C>T, p.Tyr149= (NM_001256849.1, NM_001308632.1).
Identifiers: ClinVar variation 414757 (VCV000414757.19), dbSNP rs527915939, ClinGen allele CA9595731.

ClinVar aggregate classification (germline): Likely benign. Review status: criteria provided, multiple submitters, no conflicts (2 of 4 stars). 6 submissions from 6 submitters: Likely benign (6). Last evaluated 2026-01-31.

Conditions:
Hereditary cancer-predisposing syndrome. Also called: Neoplastic Syndromes, Hereditary; Hereditary neoplastic syndrome; Hereditary Cancer Syndrome; Tumor predisposition. Identifiers: Orphanet 140162, MedGen C0027672, MeSH D009386, MONDO:0015356.
POLD1-related polyposis and colorectal cancer syndrome (CRCS10). Also called: Colorectal cancer, susceptibility to, 10; Colorectal cancer 10; COLORECTAL CANCER, SUSCEPTIBILITY TO, ON CHROMOSOME 19q. Identifiers: Orphanet 220460, MedGen C2675481, MONDO:0012953, OMIM 612591.

Allele frequency attached by ClinVar (database versions not stated): ExAC 0.00003; gnomAD 0.00003 and 0.00004; gnomAD exomes 0.00003 and 0.00004; TOPMed 0.00004.
gnomAD v4.1: 48 of 1,613,990 alleles (0.003%); highest among the groups gnomAD compares: South Asian, 0.016%; no homozygotes.

Submissions (6):

Labcorp Genetics (formerly Invitae), Labcorp
Classification: Likely benign for POLD1-related polyposis and colorectal cancer syndrome. Last evaluated: 2026-01-31. Review status: criteria provided, single submitter. Criteria: Invitae Variant Classification Sherloc (09022015). Collection method: clinical testing. Allele origin: germline.

Blueprint Genetics
Classification: Likely benign. Last evaluated: 2024-09-04. Review status: criteria provided, single submitter. Criteria: ACMG Guidelines, 2015. Collection method: clinical testing. Allele origin: germline.

KCCC/NGS Laboratory, Kuwait Cancer Control Center
Classification: Likely benign for POLD1-related polyposis and colorectal cancer syndrome. Last evaluated: 2023-07-07. Review status: criteria provided, single submitter. Criteria: ACMG Guidelines, 2015. Collection method: clinical testing. Allele origin: germline. Affected: yes.

Quest Diagnostics Nichols Institute San Juan Capistrano
Classification: Likely benign. Last evaluated: 2019-11-25. Review status: criteria provided, single submitter. Criteria: Quest Diagnostics criteria. Collection method: clinical testing. Allele origin: unknown.

GeneDx
Classification: Likely benign. Last evaluated: 2017-03-17. Review status: criteria provided, single submitter. Criteria: GeneDx Variant Classification (06012015). Collection method: clinical testing. Allele origin: germline. Affected: yes.
Comment: This variant is considered likely benign or benign based on one or more of the following criteria: it is a conservative change, it occurs at a poorly conserved position in the protein, it is predicted to be benign by multiple in silico algorithms, and/or has population frequency not consistent with disease.

Ambry Genetics
Classification: Likely benign for Hereditary cancer-predisposing syndrome. Last evaluated: 2016-09-01. Review status: criteria provided, single submitter. Criteria: Ambry Variant Classification Scheme 2023. Collection method: clinical testing. Allele origin: germline.